The following is an entry in ClinVar:

ClinVar aggregate classification (germline): Uncertain significance (1 of 4 stars; one submission).

Conditions:
Hereditary cancer-predisposing syndrome. Also called: Neoplastic Syndromes, Hereditary; Tumor predisposition; Hereditary neoplastic syndrome; Hereditary Cancer Syndrome. Identifiers: Orphanet 140162, MedGen C0027672, MeSH D009386, MONDO:0015356.

Submission:

Ambry Genetics
Classification: Uncertain significance for Hereditary cancer-predisposing syndrome. Last evaluated: 2025-08-28. Review status: criteria provided, single submitter. Criteria: Ambry Variant Classification Scheme 2023. Collection method: clinical testing. Allele origin: germline.
Comment: The p.R516P variant (also known as c.1547G>C), located in coding exon 9 of the MEN1 gene, results from a G to C substitution at nucleotide position 1547. The arginine at codon 516 is replaced by proline, an amino acid with dissimilar properties. This amino acid position is conserved. In addition, the in silico prediction for this alteration is inconclusive. Based on the available evidence, the clinical significance of this variant remains unclear.

NM_001370259.2(MEN1):c.1547G>C (p.Arg516Pro)

Gene: MEN1 (menin 1; minus strand). Cytogenetic location: 11q13.1.
Variant type: single nucleotide variant.
Coding change: c.1547G>C on transcript NM_001370259.2 (MANE Select); coding-DNA position 1547, G replaced by C.
Protein change: p.Arg516Pro; replaces arginine 516 with proline.
Molecular consequence: missense variant. On other transcripts: non-coding transcript variant (4).
Genome position (GRCh38, 1-based): chr11:64,804,620, C>G on the plus strand (G>C on the coding strand, the complement: MEN1 is on the minus strand). VCF-style: chr11-64804620-C-G. GRCh37 (hg19) VCF-style: chr11-64572092-C-G.
Other names: c.1562G>C, p.Arg521Pro (NM_000244.4, NM_001407145.1, NM_130800.3 and 4 more transcripts); c.1673G>C, p.Arg558Pro (NM_001370251.2, NM_001407142.1, NM_001407143.1 and 1 more transcripts); c.1547G>C, p.Arg516Pro (NM_001370260.2, NM_001370261.2, NM_001407146.1 and 2 more transcripts); c.1442G>C, p.Arg481Pro (NM_001370262.2, NM_001370263.2, NM_001407148.1 and 1 more transcripts); c.1688G>C, p.Arg563Pro (NM_001407150.1); c.1568G>C, p.Arg523Pro (NM_001407151.1); c.1382G>C, p.Arg461Pro (NM_001407152.1); short protein forms R523P, R516P, R563P, R461P, R481P, R558P, R521P.
Identifiers: ClinVar variation 2450226 (VCV002450226.3), dbSNP rs1565637104, ClinGen allele CA381178554.